The following is an entry in ClinVar:

ClinVar aggregate classification (germline): Uncertain significance (1 of 4 stars; one submission).

Conditions:
Hereditary cancer-predisposing syndrome. Also called: Neoplastic Syndromes, Hereditary; Hereditary Cancer Syndrome; Hereditary neoplastic syndrome; Tumor predisposition. Identifiers: Orphanet 140162, MedGen C0027672, MeSH D009386, MONDO:0015356.

Allele frequency attached by ClinVar (database versions not stated): gnomAD exomes below 0.00001; ExAC 0.00001; 1000 Genomes Project 30x 0.00016; 1000 Genomes Project 0.00020.
gnomAD v4.1: 1 of 1,614,222 alleles (0.000062%); highest among the groups gnomAD compares: African/African-American, 0.0013%; no homozygotes.

Submission:

Ambry Genetics
Classification: Uncertain significance for Hereditary cancer-predisposing syndrome. Last evaluated: 2023-03-15. Review status: criteria provided, single submitter. Criteria: Ambry Variant Classification Scheme 2023. Collection method: clinical testing. Allele origin: germline.
Comment: The p.L1168Q variant (also known as c.3503T>A), located in coding exon 21 of the PTCH1 gene, results from a T to A substitution at nucleotide position 3503. The leucine at codon 1168 is replaced by glutamine, an amino acid with dissimilar properties. This amino acid position is conserved. In addition, this alteration is predicted to be deleterious by in silico analysis. Since supporting evidence is limited at this time, the clinical significance of this alteration remains unclear.

NM_000264.5(PTCH1):c.3503T>A (p.Leu1168Gln)

Gene: PTCH1 (patched 1; minus strand). Cytogenetic location: 9q22.32.
Variant type: single nucleotide variant.
Coding change: c.3503T>A on transcript NM_000264.5 (MANE Select); coding-DNA position 3503, T replaced by A.
Protein change: p.Leu1168Gln; replaces leucine 1168 with glutamine.
Molecular consequence: missense variant. On other transcripts: non-coding transcript variant (1).
Genome position (GRCh38, 1-based): chr9:95,449,887, A>T on the plus strand (T>A on the coding strand, the complement: PTCH1 is on the minus strand). VCF-style: chr9-95449887-A-T. GRCh37 (hg19) VCF-style: chr9-98212169-A-T.
Other names: c.3050T>A, p.Leu1017Gln (NM_001083604.3, NM_001083605.3, NM_001083606.3 and 1 more transcripts); c.3347T>A, p.Leu1116Gln (NM_001354918.2); c.3305T>A, p.Leu1102Gln (NM_001083602.3); c.3500T>A, p.Leu1167Gln (NM_001083603.3); short protein forms L1116Q, L1167Q, L1168Q, L1017Q, L1102Q.
Identifiers: ClinVar variation 2564354 (VCV002564354.2), dbSNP rs527747879, ClinGen allele CA5138126.